The following is an entry in ClinVar:

NM_002880.4(RAF1):c.1348C>T (p.Arg450Trp)

Gene: RAF1 (Raf-1 proto-oncogene, serine/threonine kinase; minus strand). Cytogenetic location: 3p25.2.
Variant type: single nucleotide variant.
Coding change: c.1348C>T on transcript NM_002880.4 (MANE Select); coding-DNA position 1348, C replaced by T.
Protein change: p.Arg450Trp; replaces arginine 450 with tryptophan.
Molecular consequence: missense variant. On other transcripts: non-coding transcript variant (3).
Genome position (GRCh38, 1-based): chr3:12,590,820, G>A on the plus strand (C>T on the coding strand, the complement: RAF1 is on the minus strand). VCF-style: chr3-12590820-G-A. GRCh37 (hg19) VCF-style: chr3-12632319-G-A.
Other names: c.1408C>T, p.Arg470Trp (NM_001354689.3); c.1348C>T, p.Arg450Trp (NM_001354690.3); c.1105C>T, p.Arg369Trp (NM_001354691.3, NM_001354692.3); c.1249C>T, p.Arg417Trp (NM_001354693.3); c.1165C>T, p.Arg389Trp (NM_001354694.3); c.1006C>T, p.Arg336Trp (NM_001354695.3); short protein forms R369W, R389W, R450W, R470W, R336W, R417W.
Identifiers: ClinVar variation 2967402 (VCV002967402.3), dbSNP rs2125342778, ClinGen allele CA351501728.

ClinVar aggregate classification (germline): Uncertain significance (1 of 4 stars; one submission).

Conditions:
RASopathy. Also called: Noonan spectrum disorder; rasopathies. Identifiers: Orphanet 536391, MedGen C5555857, MONDO:0021060.

Submission:

Labcorp Genetics (formerly Invitae), Labcorp
Classification: Uncertain significance for RASopathy. Last evaluated: 2025-02-03. Review status: criteria provided, single submitter. Criteria: Invitae Variant Classification Sherloc (09022015). Collection method: clinical testing. Allele origin: germline.
Comment: This sequence change replaces arginine, which is basic and polar, with tryptophan, which is neutral and slightly polar, at codon 450 of the RAF1 protein (p.Arg450Trp). This variant is not present in population databases (gnomAD no frequency). This variant has not been reported in the literature in individuals affected with RAF1-related conditions. ClinVar contains an entry for this variant (Variation ID: 2967402). Invitae Evidence Modeling incorporating data from in vitro experimental studies (internal data) indicates that this missense variant is not expected to disrupt RAF1 function with a negative predictive value of 95%. In summary, the available evidence is currently insufficient to determine the role of this variant in disease. Therefore, it has been classified as a Variant of Uncertain Significance.